The following is an entry in ClinVar:

NM_144999.4(LRRC45):c.354-6C>T

Gene: LRRC45 (leucine rich repeat containing 45; plus strand). Cytogenetic location: 17q25.3.
Variant type: single nucleotide variant.
Coding change: c.354-6C>T on transcript NM_144999.4 (MANE Select); 6 bases into the intron before coding-DNA position 354, C replaced by T.
Molecular consequence: intron variant.
Genome position (GRCh38, 1-based): chr17:82,024,994, C>T. VCF-style: chr17-82024994-C-T. GRCh37 (hg19) VCF-style: chr17-79982870-C-T.
Identifiers: ClinVar variation 4977359 (VCV004977359.1).
Genomic context (GRCh38, chr17:82,024,994, plus strand): 5'-CCAAGCCCTGGACCCCACGGGCTAGGCAGTCCCCTAGGTGAACACTGGCTTCTGCCCCTC[C>T]TGCAGCCTCACGCTGGAGTGGAACAGCCTGGGCACGTGGGACGATGCCTTCGCCACCTTC-3'

ClinVar aggregate classification (germline): Likely benign (1 of 4 stars; one submission).

Conditions:
LRRC45-related disorder. Also called: LRRC45-related condition.

Submission:

PreventionGenetics, part of Exact Sciences
Classification: Likely benign for LRRC45-related condition. Last evaluated: 2024-10-28. Review status: criteria provided, single submitter. Criteria: ACMG Guidelines, 2015. Collection method: clinical testing. Allele origin: germline.
Comment: This variant is classified as likely benign based on ACMG/AMP sequence variant interpretation guidelines (Richards et al. 2015 PMID: 25741868, with internal and published modifications).